The following is an entry in ClinVar:

ClinVar aggregate classification (germline): Uncertain significance. Review status: criteria provided, multiple submitters, no conflicts (2 of 4 stars). 2 submissions from 2 submitters: Uncertain significance (2). Last evaluated 2025-01-20.

Conditions:
Neuronopathy, distal hereditary motor, autosomal recessive 5. Also called: Young adult-onset distal hereditary motor neuropathy; NEUROPATHY, DISTAL HEREDITARY MOTOR, AUTOSOMAL RECESSIVE 5; Spinal muscular atrophy, distal, autosomal recessive, 5. Identifiers: Orphanet 314485, Orphanet 443950, MedGen C4749918, MONDO:0013947, OMIM 614881.
Inborn genetic diseases. Identifiers: MedGen C0950123, MeSH D030342.

Allele frequency attached by ClinVar (database versions not stated): gnomAD 0.00001; TOPMed 0.00002.
gnomAD v4.1: 21 of 1,613,896 alleles (0.0013%); highest among the groups gnomAD compares: East Asian, 0.0067%; no homozygotes.

Submissions (2):

Ambry Genetics
Classification: Uncertain significance for Inborn genetic diseases. Last evaluated: 2025-01-20. Review status: criteria provided, single submitter. Criteria: Ambry Variant Classification Scheme 2023. Collection method: clinical testing. Allele origin: germline.

Labcorp Genetics (formerly Invitae), Labcorp
Classification: Uncertain significance for Neuronopathy, distal hereditary motor, autosomal recessive 5. Last evaluated: 2022-07-12. Review status: criteria provided, single submitter. Criteria: Invitae Variant Classification Sherloc (09022015). Collection method: clinical testing. Allele origin: germline.
Comment: This sequence change replaces arginine, which is basic and polar, with tryptophan, which is neutral and slightly polar, at codon 70 of the DNAJB2 protein (p.Arg70Trp). This variant is present in population databases (rs773179867, gnomAD 0.007%). This variant has not been reported in the literature in individuals affected with DNAJB2-related conditions. ClinVar contains an entry for this variant (Variation ID: 841184). Algorithms developed to predict the effect of missense changes on protein structure and function are either unavailable or do not agree on the potential impact of this missense change (SIFT: "Deleterious"; PolyPhen-2: "Probably Damaging"; Align-GVGD: "Class C0"). In summary, the available evidence is currently insufficient to determine the role of this variant in disease. Therefore, it has been classified as a Variant of Uncertain Significance.

NM_006736.6(DNAJB2):c.208C>T (p.Arg70Trp)

Gene: DNAJB2 (DnaJ heat shock protein family (Hsp40) member B2; plus strand). Cytogenetic location: 2q35.
Variant type: single nucleotide variant.
Coding change: c.208C>T on transcript NM_006736.6 (MANE Select); coding-DNA position 208, C replaced by T.
Protein change: p.Arg70Trp; replaces arginine 70 with tryptophan.
Molecular consequence: missense variant.
Genome position (GRCh38, 1-based): chr2:219,281,750, C>T. VCF-style: chr2-219281750-C-T. GRCh37 (hg19) VCF-style: chr2-220146472-C-T.
Other names: c.208C>T, p.Arg70Trp (NM_001039550.2); short protein forms R70W.
Identifiers: ClinVar variation 841184 (VCV000841184.10), dbSNP rs773179867, ClinGen allele CA2122865.
Genomic context (GRCh38, chr2:219,281,750, plus strand): 5'-GGTGAAATGATCTGGTCTCTTTTTGCAGAGCACAAGCGGGAGATTTACGACCGCTATGGC[C>T]GGGAAGGGCTGACAGGGACAGGTAGGTGGAGTGGTGAGGCCCAGGAATGGAGGTGGGGCA-3'
Protein context (NP_006727.2, residues 60-80): HKREIYDRYG[Arg70Trp]EGLTGTGTGP